The following is an entry in ClinVar:

NM_022114.4(PRDM16):c.260G>T (p.Arg87Leu)

Gene: PRDM16 (PR/SET domain 16; plus strand). Cytogenetic location: 1p36.32.
Variant type: single nucleotide variant.
Coding change: c.260G>T on transcript NM_022114.4 (MANE Select); coding-DNA position 260, G replaced by T.
Protein change: p.Arg87Leu; replaces arginine 87 with leucine.
Molecular consequence: missense variant.
Genome position (GRCh38, 1-based): chr1:3,186,347, G>T. VCF-style: chr1-3186347-G-T. GRCh37 (hg19) VCF-style: chr1-3102911-G-T.
Other names: c.260G>T, p.Arg87Leu (NM_199454.3); short protein forms R87L.
Identifiers: ClinVar variation 3600816 (VCV003600816.3).

ClinVar aggregate classification (germline): Uncertain significance (1 of 4 stars; one submission).

gnomAD v4.1: 4 of 1,612,232 alleles (0.00025%); highest among the groups gnomAD compares: African/African-American, 0.0053%; no homozygotes.

Submission:

GeneDx
Classification: Uncertain significance. Last evaluated: 2025-10-22. Review status: criteria provided, single submitter. Criteria: GeneDx Variant Classification Process June 2021. Collection method: clinical testing. Allele origin: germline. Affected: yes.
Comment: Has not been previously published as pathogenic or benign to our knowledge; Not observed at significant frequency in large population cohorts (gnomAD); In silico analysis supports that this missense variant has a deleterious effect on protein structure/function